The following is an entry in ClinVar:

NM_000466.3(PEX1):c.912dup (p.Val305fs)

Gene: PEX1 (peroxisomal biogenesis factor 1; minus strand). Cytogenetic location: 7q21.2.
Variant type: Duplication.
Coding change: c.912dup on transcript NM_000466.3 (MANE Select); coding-DNA position 912, one base duplicated (T; older notation c.912dupT).
Protein change: p.Val305fs; shifts the reading frame from valine 305.
Molecular consequence: frameshift variant.
Genome position (GRCh38, 1-based): chr7:92,517,603, A duplicated on the plus strand (T on the coding strand, the reverse complement: PEX1 is on the minus strand). VCF-style (leftmost placement, unchanged base first): chr7-92517602-C-CA. GRCh37 (hg19) VCF-style: chr7-92146916-C-CA.
Other names: c.912dup, p.Val305fs (NM_001282677.2); c.288dup, p.Val97fs (NM_001282678.2); short protein forms V305fs, V97fs.
Identifiers: ClinVar variation 2174996 (VCV002174996.4), dbSNP rs2484702837, ClinGen allele CA2580077831.

ClinVar aggregate classification (germline): Pathogenic (1 of 4 stars; one submission).

Conditions:
Zellweger spectrum disorders (ZS). Also called: Zellweger Spectrum Disorder; Zellweger Spectrum; Zellweger Spectrum Disorder (ZSD); Zellweger syndrome. Identifiers: Orphanet 912, MedGen C0043459, MONDO:0019609.

Submission:

Labcorp Genetics (formerly Invitae), Labcorp
Classification: Pathogenic for Zellweger spectrum disorders. Last evaluated: 2023-01-19. Review status: criteria provided, single submitter. Criteria: Invitae Variant Classification Sherloc (09022015). Collection method: clinical testing. Allele origin: germline.
Comment: This sequence change creates a premature translational stop signal (p.Val305Cysfs*4) in the PEX1 gene. It is expected to result in an absent or disrupted protein product. Loss-of-function variants in PEX1 are known to be pathogenic (PMID: 9398847, 16086329, 16141001, 21031596, 26387595, 31831025). This variant is not present in population databases (gnomAD no frequency). This variant has not been reported in the literature in individuals affected with PEX1-related conditions. For these reasons, this variant has been classified as Pathogenic.

Literature cited by the submitters: PubMed 9398847; PubMed 16086329; PubMed 16141001; PubMed 21031596; PubMed 26387595; PubMed 31831025.